The following is an entry in ClinVar:

ClinVar aggregate classification (germline): Uncertain significance (1 of 4 stars; one submission).

Submission:

Labcorp Genetics (formerly Invitae), Labcorp
Classification: Uncertain significance. Last evaluated: 2023-08-27. Review status: criteria provided, single submitter. Criteria: Invitae Variant Classification Sherloc (09022015). Collection method: clinical testing. Allele origin: germline.
Comment: In summary, the available evidence is currently insufficient to determine the role of this variant in disease. Therefore, it has been classified as a Variant of Uncertain Significance. Advanced modeling of protein sequence and biophysical properties (such as structural, functional, and spatial information, amino acid conservation, physicochemical variation, residue mobility, and thermodynamic stability) performed at Invitae indicates that this missense variant is expected to disrupt CRAT protein function. This variant has not been reported in the literature in individuals affected with CRAT-related conditions. This variant is not present in population databases (gnomAD no frequency). This sequence change replaces arginine, which is basic and polar, with glycine, which is neutral and non-polar, at codon 111 of the CRAT protein (p.Arg111Gly).

NM_000755.5(CRAT):c.331C>G (p.Arg111Gly)

Gene: CRAT (carnitine O-acetyltransferase; minus strand). Cytogenetic location: 9q34.11.
Variant type: single nucleotide variant.
Coding change: c.331C>G on transcript NM_000755.5 (MANE Select); coding-DNA position 331, C replaced by G.
Protein change: p.Arg111Gly; replaces arginine 111 with glycine.
Molecular consequence: missense variant.
Genome position (GRCh38, 1-based): chr9:129,104,267, G>C on the plus strand (C>G on the coding strand, the complement: CRAT is on the minus strand). VCF-style: chr9-129104267-G-C. GRCh37 (hg19) VCF-style: chr9-131866546-G-C.
Other names: c.268C>G, p.Arg90Gly (NM_001257363.3, NM_001346548.2, NM_004003.4); c.334C>G, p.Arg112Gly (NM_001346546.2); c.331C>G, p.Arg111Gly (NM_001346547.2); c.211C>G, p.Arg71Gly (NM_001346549.2); short protein forms R111G, R90G, R112G, R71G.
Identifiers: ClinVar variation 2753883 (VCV002753883.3), dbSNP rs773715959, ClinGen allele CA375102542.